The following is an entry in ClinVar:

NM_004586.3(RPS6KA3):c.1024C>G (p.Pro342Ala)

Gene: RPS6KA3 (ribosomal protein S6 kinase A3; minus strand). Cytogenetic location: Xp22.12.
Variant type: single nucleotide variant.
Coding change: c.1024C>G on transcript NM_004586.3 (MANE Select); coding-DNA position 1024, C replaced by G.
Protein change: p.Pro342Ala; replaces proline 342 with alanine.
Molecular consequence: missense variant.
Genome position (GRCh38, 1-based): chrX:20,176,328, G>C on the plus strand (C>G on the coding strand, the complement: RPS6KA3 is on the minus strand). VCF-style: chrX-20176328-G-C. GRCh37 (hg19) VCF-style: chrX-20194446-G-C.
Other names: short protein forms P342A.
Identifiers: ClinVar variation 1313257 (VCV001313257.3), dbSNP rs2148664055, ClinGen allele CA412517957.

ClinVar aggregate classification (germline): Uncertain significance (1 of 4 stars; one submission).

Submission:

GeneDx
Classification: Uncertain significance. Last evaluated: 2022-04-11. Review status: criteria provided, single submitter. Criteria: GeneDx Variant Classification Process June 2021. Collection method: clinical testing. Allele origin: germline. Affected: yes.
Comment: Not observed in large population cohorts (gnomAD); In silico analysis supports that this missense variant has a deleterious effect on protein structure/function; Has not been previously published as pathogenic or benign to our knowledge